The following is an entry in ClinVar:

NM_000059.4(BRCA2):c.8478C>A (p.Tyr2826Ter)

Gene: BRCA2 (BRCA2 DNA repair associated; plus strand). Cytogenetic location: 13q13.1.
Variant type: single nucleotide variant.
Coding change: c.8478C>A on transcript NM_000059.4 (MANE Select); coding-DNA position 8478, C replaced by A.
Protein change: p.Tyr2826Ter; replaces tyrosine 2826 with a stop codon.
Molecular consequence: nonsense.
Genome position (GRCh38, 1-based): chr13:32,370,548, C>A. VCF-style: chr13-32370548-C-A. GRCh37 (hg19) VCF-style: chr13-32944685-C-A.
Other names: short protein forms Y2826*.
Identifiers: ClinVar variation 254623 (VCV000254623.19), dbSNP rs776353983, ClinGen allele CA6941230.
Genomic context (GRCh38, chr13:32,370,548, plus strand): 5'-ATCGCTTTTCAGTGATGGAGGAAATGTTGGTTGTGTTGATGTAATTATTCAAAGAGCATA[C>A]CCTATACAGGTATGATGTATTCTTGAAACTTACCATATATTTCTTTCTTTTGATACAATT-3'

ClinVar aggregate classification (germline): Pathogenic. Review status: reviewed by expert panel (3 of 4 stars). 8 submissions from 8 submitters: Pathogenic (1). 7 of the submissions do not count toward it. Last evaluated 2016-09-08.

Conditions:
Hereditary cancer-predisposing syndrome. Also called: Tumor predisposition; Hereditary Cancer Syndrome; Neoplastic Syndromes, Hereditary; Hereditary neoplastic syndrome. Identifiers: Orphanet 140162, MedGen C0027672, MeSH D009386, MONDO:0015356.
Inherited breast cancer and ovarian cancer.
Hereditary breast ovarian cancer syndrome. Also called: Hereditary breast and ovarian cancer; Breast and ovarian cancer; Hereditary breast and/or ovarian cancer syndrome; BRCA1- and BRCA2-Associated Hereditary Breast and Ovarian Cancer; Hereditary breast and ovarian cancer syndrome; Hereditary breast and ovarian cancer syndrome (HBOC). Identifiers: Orphanet 145, MedGen C0677776, MeSH D061325, MONDO:0003582. Disease mechanism: loss of function.
Breast-ovarian cancer, familial, susceptibility to, 2 (BROVCA2). Also called: BRCA2 Hereditary Breast and Ovarian Cancer. Identifiers: Orphanet 145, MedGen C2675520, MONDO:0012933, OMIM 612555. Disease mechanism: loss of function.
Familial cancer of breast. Also called: BREAST CANCER, FAMILIAL; Hereditary breast cancer; hereditary breast carcinoma. Identifiers: Orphanet 227535, MedGen C0346153, MONDO:0016419, OMIM 114480. Disease mechanism: loss of function.

Allele frequency attached by ClinVar (database versions not stated): gnomAD exomes below 0.00001; ExAC 0.00001.
gnomAD v4.1: 1 of 1,612,398 alleles (0.000062%); highest among the groups gnomAD compares: South Asian, 0.0011%; no homozygotes.

Submissions (8):

Evidence-based Network for the Interpretation of Germline Mutant Alleles (ENIGMA)
Classification: Pathogenic for Breast-ovarian cancer, familial, susceptibility to, 2. Last evaluated: 2016-09-08. Review status: reviewed by expert panel. Criteria: ENIGMA BRCA1/2 Classification Criteria (2015). Collection method: curation. Allele origin: germline.
Comment: Variant allele predicted to encode a truncated non-functional protein.

Genetics Laboratory, Great Ormond Street Hospital NHS Foundation Trust, North Thames Genomic Laboratory Hub
Classification: Pathogenic for Inherited breast cancer and ovarian cancer. Last evaluated: 2025-12-15. Review status: criteria provided, single submitter. Criteria: CanVIG BRCA Gene Specific V1.22. Collection method: clinical testing. Allele origin: germline. Affected: yes. Not counted in ClinVar's aggregate classification.
Comment: PS4_moderate, PM2_moderate, PVS1_very-strong, PM5_strong

Labcorp Genetics (formerly Invitae), Labcorp
Classification: Pathogenic for Hereditary breast ovarian cancer syndrome. Last evaluated: 2025-01-21. Review status: criteria provided, single submitter. Criteria: Invitae Variant Classification Sherloc (09022015). Collection method: clinical testing. Allele origin: germline. Not counted in ClinVar's aggregate classification.
Comment: This sequence change creates a premature translational stop signal (p.Tyr2826*) in the BRCA2 gene. It is expected to result in an absent or disrupted protein product. Loss-of-function variants in BRCA2 are known to be pathogenic (PMID: 20104584). This variant is present in population databases (rs776353983, gnomAD 0.003%). This premature translational stop signal has been observed in individual(s) with breast cancer and/or ovarian cancer (PMID: 28724667, 32438681). ClinVar contains an entry for this variant (Variation ID: 254623). For these reasons, this variant has been classified as Pathogenic.

Ambry Genetics
Classification: Pathogenic for Hereditary cancer-predisposing syndrome. Last evaluated: 2024-04-29. Review status: criteria provided, single submitter. Criteria: Ambry Variant Classification Scheme 2023. Collection method: clinical testing. Allele origin: germline. Not counted in ClinVar's aggregate classification.
Comment: The p.Y2826* pathogenic mutation (also known as c.8478C>A), located in coding exon 18 of the BRCA2 gene, results from a C to A substitution at nucleotide position 8478. This changes the amino acid from a tyrosine to a stop codon within coding exon 18. This variant was reported in multiple individuals with features consistent with BRCA2-related hereditary breast and ovarian cancer syndrome (Santonocito C et al. Cancers (Basel), 2020 May;12; Bisgin A et al. Breast, 2022 Oct;65:15-22; Yao L et al. J Hum Genet, 2022 Nov;67:639-642). In addition to the clinical data presented in the literature, this alteration is expected to result in loss of function by premature protein truncation or nonsense-mediated mRNA decay. As such, this alteration is interpreted as a disease-causing mutation.

Baylor Genetics
Classification: Pathogenic for Familial cancer of breast. Last evaluated: 2023-07-24. Review status: criteria provided, single submitter. Criteria: ACMG Guidelines, 2015. Collection method: clinical testing. Allele origin: unknown. Not counted in ClinVar's aggregate classification.

Quest Diagnostics Nichols Institute San Juan Capistrano
Classification: Pathogenic. Last evaluated: 2020-03-18. Review status: criteria provided, single submitter. Criteria: Quest Diagnostics criteria. Collection method: clinical testing. Allele origin: unknown. Not counted in ClinVar's aggregate classification.
Comment: The variant results in a shift of the reading frame, and is therefore predicted to result in the loss of a functional protein. Found in at least one patient with expected phenotype for this gene, and found in general population data at a frequency that is consistent with pathogenicity.

Counsyl
Classification: Likely pathogenic for Breast-ovarian cancer, familial, susceptibility to, 2. Last evaluated: 2016-11-08. Review status: no assertion criteria provided. Collection method: clinical testing. Allele origin: unknown. Not counted in ClinVar's aggregate classification.

Department of Pathology and Laboratory Medicine, Sinai Health System
Classification: Pathogenic. Review status: no assertion criteria provided. Collection method: clinical testing. Allele origin: unknown. Affected: yes. Study: The Canadian Open Genetics Repository (COGR). Not counted in ClinVar's aggregate classification.
Comment: The BRCA2 p.Tyr2826X variant was not identified in the literature, nor was it identified in several database searches (dbSNP, NHLBI Exome Sequencing Project, HGMD, LOVD, COSMIC, ClinVar, GeneInsight COGR, BIC, UMD). The variant was identified in the Exome Aggregation Consortium (ExAC) database in 1 of 16542 chromosomes from a South Asian population. The p.Tyr2826X variant leads to a premature stop codon at position 2826, which is predicted to lead to a truncated or absent protein and loss of function. Loss of function variants of the BRCA2 gene are an established mechanism of disease in hereditary breast and ovarian cancer and is the type of variant expected to cause the disorder. In summary, based on the above information, this variant meets our laboratoryâ€šÃ„Ã´s criteria to be classified as pathogenic.

Literature cited by the submitters: PubMed 20104584 (cited by Labcorp Genetics (formerly Invitae), Labcorp); PubMed 28724667 (cited by Labcorp Genetics (formerly Invitae), Labcorp and Quest Diagnostics Nichols Institute San Juan Capistrano); PubMed 32438681 (cited by Labcorp Genetics (formerly Invitae), Labcorp and Ambry Genetics); PubMed 35753294 (cited by Ambry Genetics); PubMed 35864222 (cited by Ambry Genetics); PubMed 30702160 (cited by Quest Diagnostics Nichols Institute San Juan Capistrano); PubMed 30720243 (cited by Quest Diagnostics Nichols Institute San Juan Capistrano); PubMed 29922827 (cited by Quest Diagnostics Nichols Institute San Juan Capistrano).